The following is an entry in ClinVar:

NM_004006.3(DMD):c.7070del (p.Pro2357fs)

Gene: DMD (dystrophin; minus strand). Cytogenetic location: Xp21.1.
Variant type: Deletion.
Coding change: c.7070del on transcript NM_004006.3 (MANE Select); coding-DNA position 7070, one base deleted (C; older notation c.7070delC).
Protein change: p.Pro2357fs; shifts the reading frame from proline 2357.
Molecular consequence: frameshift variant. On other transcripts: 5 prime UTR variant (5).
Genome position (GRCh38, 1-based): chrX:31,875,216, G deleted on the plus strand (C on the coding strand, the reverse complement: DMD is on the minus strand); the first of 2 consecutive G bases (chrX:31,875,216-31,875,217); deleting either gives the same sequence. VCF-style (leftmost placement, unchanged base first): chrX-31875215-TG-T. GRCh37 (hg19) VCF-style: chrX-31893332-TG-T.
Other names: c.7046del, p.Pro2349fs (NM_000109.4); c.7069delC, p.Pro2357Glnfs (NM_004006.2); c.7058del, p.Pro2353fs (NM_004009.3); c.6701del, p.Pro2234fs (NM_004010.3); c.3047del, p.Pro1016fs (NM_004011.4); c.3038del, p.Pro1013fs (NM_004012.4); c.-311del (NM_004013.3, NM_004020.4, NM_004021.3 and 2 more transcripts); short protein forms P1013fs, P1016fs, P2234fs, P2349fs, P2353fs, P2357fs.
Identifiers: ClinVar variation 2439832 (VCV002439832.4), dbSNP rs2532452677, ClinGen allele CA2580100592.

ClinVar aggregate classification (germline): Pathogenic/Likely pathogenic. Review status: criteria provided, multiple submitters, no conflicts (2 of 4 stars). 2 submissions from 2 submitters: Pathogenic (1); Likely pathogenic (1). Last evaluated 2023-10-24.

Submissions (2):

GeneDx
Classification: Pathogenic. Last evaluated: 2023-10-24. Review status: criteria provided, single submitter. Criteria: GeneDx Variant Classification Process June 2021. Collection method: clinical testing. Allele origin: germline. Affected: yes.
Comment: Frameshift variant predicted to result in protein truncation or nonsense mediated decay in a gene for which loss of function is a known mechanism of disease; Not observed at significant frequency in large population cohorts (gnomAD); This variant is associated with the following publications: (PMID: 33644936)

Revvity Omics, Revvity
Classification: Likely pathogenic. Last evaluated: 2022-11-08. Review status: criteria provided, single submitter. Criteria: ACMG Guidelines, 2015. Collection method: clinical testing. Allele origin: germline.